The following is an entry in ClinVar:

NM_033064.5(ATCAY):c.*1540C>A

Gene: ATCAY (ATCAY kinesin light chain interacting caytaxin; plus strand). Cytogenetic location: 19p13.3.
Variant type: single nucleotide variant.
Coding change: c.*1540C>A on transcript NM_033064.5 (MANE Select); 1540 bases downstream of the stop codon, C replaced by A.
Molecular consequence: 3 prime UTR variant.
Genome position (GRCh38, 1-based): chr19:3,926,132, C>A. VCF-style: chr19-3926132-C-A. GRCh37 (hg19) VCF-style: chr19-3926130-C-A.
Identifiers: ClinVar variation 329184 (VCV000329184.5), dbSNP rs140917952, ClinGen allele CA10642799.

ClinVar aggregate classification (germline): Benign (1 of 4 stars; one submission).

Conditions:
Cayman type cerebellar ataxia. Also called: Cayman ataxia. Identifiers: Orphanet 94122, MedGen C1832585, MONDO:0011025, OMIM 601238.

Allele frequency attached by ClinVar (database versions not stated): TOPMed 0.01455; 1000 Genomes Project 0.01657; 1000 Genomes Project 30x 0.01686.

Submission:

Illumina Laboratory Services, Illumina
Classification: Benign for Cayman type cerebellar ataxia. Last evaluated: 2018-01-13. Review status: criteria provided, single submitter. Criteria: ICSL Variant Classification Criteria 13 December 2019. Collection method: clinical testing. Allele origin: germline.
Comment: This variant was observed in the ICSL laboratory as part of a predisposition screen in an ostensibly healthy population. It had not been previously curated by ICSL or reported in the Human Gene Mutation Database (HGMD: prior to June 1st, 2018), and was therefore a candidate for classification through an automated scoring system. Utilizing variant allele frequency, disease prevalence and penetrance estimates, and inheritance mode, an automated score was calculated to assess if this variant is too frequent to cause the disease. Based on the score and internal cut-off values, a variant classified as benign is not then subjected to further curation. The score for this variant resulted in a classification of benign for this disease.